The following is an entry in ClinVar:

ClinVar aggregate classification (germline): Likely benign. Review status: criteria provided, multiple submitters, no conflicts (2 of 4 stars). 2 submissions from 2 submitters: Likely benign (2). Last evaluated 2024-03-01.

Allele frequency attached by ClinVar (database versions not stated): gnomAD 0.00004 and 0.00013; TOPMed 0.00005; gnomAD exomes 0.00026 and 0.00063; 1000 Genomes Project 30x 0.00062; 1000 Genomes Project 0.00080; ExAC 0.00177.
gnomAD v4.1: 395 of 1,549,848 alleles (0.025%); highest among the groups gnomAD compares: South Asian, 0.34%; 3 homozygotes.

Submissions (2):

CeGaT Center for Human Genetics Tuebingen
Classification: Likely benign. Last evaluated: 2024-03-01. Review status: criteria provided, single submitter. Criteria: CeGaT Center For Human Genetics Tuebingen Variant Classification Criteria Version 2. Collection method: clinical testing. Allele origin: germline. Affected: yes. Observed: 2 variant alleles.
Comment: TPM1: BP4, BS1

Blueprint Genetics
Classification: Likely benign. Last evaluated: 2023-01-24. Review status: criteria provided, single submitter. Criteria: ACMG Guidelines, 2015. Collection method: clinical testing. Allele origin: germline.

NM_001018005.2(TPM1):c.772+144C>T

Gene: TPM1 (tropomyosin 1; plus strand). Cytogenetic location: 15q22.2.
Variant type: single nucleotide variant.
Coding change: c.772+144C>T on transcript NM_001018005.2 (MANE Select); 144 bases into the intron after coding-DNA position 772, C replaced by T.
Molecular consequence: intron variant.
Genome position (GRCh38, 1-based): chr15:63,062,789, C>T. VCF-style: chr15-63062789-C-T. GRCh37 (hg19) VCF-style: chr15-63354988-C-T.
Other names: c.772+144C>T (NM_001018020.2, NM_001018007.2, NM_001018006.2 and 6 more transcripts); c.664+144C>T (NM_001330351.2, NM_001330344.2, NM_001018008.2 and 5 more transcripts); c.898+144C>T (NM_001365778.1).
Identifiers: ClinVar variation 1701262 (VCV001701262.32), dbSNP rs573182762, ClinGen allele CA032074.